The following is an entry in ClinVar:

NM_001003699.4(RREB1):c.4897del (p.Glu1633fs)

Gene: RREB1 (ras responsive element binding protein 1; plus strand). Cytogenetic location: 6p24.3.
Variant type: Deletion.
Coding change: c.4897del on transcript NM_001003699.4 (MANE Select); coding-DNA position 4897, one base deleted (G; older notation c.4897delG).
Protein change: p.Glu1633fs; shifts the reading frame from glutamic acid 1633.
Molecular consequence: frameshift variant.
Genome position (GRCh38, 1-based): chr6:7,248,636, G deleted; the last of 2 consecutive G bases (chr6:7,248,635-7,248,636); deleting either gives the same sequence. VCF-style (leftmost placement, unchanged base first): chr6-7248634-AG-A. GRCh37 (hg19) VCF-style: chr6-7248867-AG-A.
Other names: c.4732del, p.Glu1578fs (NM_001003698.4, NM_001168344.2); c.4099del, p.Glu1367fs (NM_001003700.2); short protein forms E1633fs, E1367fs, E1578fs.
Identifiers: ClinVar variation 4055802 (VCV004055802.1).

ClinVar aggregate classification (germline): Uncertain significance (1 of 4 stars; one submission).

Submission:

GeneDx
Classification: Uncertain significance. Last evaluated: 2023-06-27. Review status: criteria provided, single submitter. Criteria: GeneDx Variant Classification Process June 2021. Collection method: clinical testing. Allele origin: germline. Affected: yes.
Comment: Not observed at significant frequency in large population cohorts (gnomAD); Frameshift variant predicted to result in abnormal protein length as the last 110 amino acids are replaced with 205 different amino acids; Has not been previously published as pathogenic or benign to our knowledge; Variants in candidate genes are classified as variants of uncertain significance in accordance with ACMG guidelines (Richards et al., 2015)